The following is an entry in ClinVar:

NM_005006.7(NDUFS1):c.139A>G (p.Thr47Ala)

Gene: NDUFS1 (NADH:ubiquinone oxidoreductase core subunit S1; minus strand). Cytogenetic location: 2q33.3.
Variant type: single nucleotide variant.
Coding change: c.139A>G on transcript NM_005006.7 (MANE Select); coding-DNA position 139, A replaced by G.
Protein change: p.Thr47Ala; replaces threonine 47 with alanine.
Molecular consequence: missense variant. On other transcripts: intron variant (2).
Genome position (GRCh38, 1-based): chr2:206,152,433, T>C on the plus strand (A>G on the coding strand, the complement: NDUFS1 is on the minus strand). VCF-style: chr2-206152433-T-C. GRCh37 (hg19) VCF-style: chr2-207017157-T-C.
Other names: c.139A>G, p.Thr47Ala (NM_001199981.2); c.181A>G, p.Thr61Ala (NM_001199984.2); c.5+1185A>G (NM_001199982.2); c.-19+1185A>G (NM_001199983.2); c.139A>G (NM_005006.6); short protein forms T47A, T61A.
Identifiers: ClinVar variation 1965929 (VCV001965929.6), dbSNP rs1692405800, ClinGen allele CA350064923.
Genomic context (GRCh38, chr2:206,152,433, plus strand): 5'-AAAAAAATCAGAACACACACACAAAATAGTTAGAATGTATGCCTACTTGGAGGACGGTCG[T>C]TCCCGGTTCCACCATGACAGACTGACCATCAACAAATACTTCAATCAAGTTGCTTGCTGC-3'
Protein context (NP_004997.4, residues 37-57): DGQSVMVEPG[Thr47Ala]TVLQACEKVG

ClinVar aggregate classification (germline): Uncertain significance. Review status: criteria provided, multiple submitters, no conflicts (2 of 4 stars). 2 submissions from 2 submitters: Uncertain significance (2). Last evaluated 2025-06-22.

Conditions:
Inborn genetic diseases. Identifiers: MedGen C0950123, MeSH D030342.

Allele frequency attached by ClinVar (database versions not stated): gnomAD exomes below 0.00001.
gnomAD v4.1: 1 of 1,614,070 alleles (0.000062%); highest among the groups gnomAD compares: Non-Finnish European, 0.000085%; no homozygotes.

Submissions (2):

Ambry Genetics
Classification: Uncertain significance for Inborn genetic diseases. Last evaluated: 2025-06-22. Review status: criteria provided, single submitter. Criteria: Ambry Variant Classification Scheme 2023. Collection method: clinical testing. Allele origin: germline.

Labcorp Genetics (formerly Invitae), Labcorp
Classification: Uncertain significance. Last evaluated: 2022-05-27. Review status: criteria provided, single submitter. Criteria: Invitae Variant Classification Sherloc (09022015). Collection method: clinical testing. Allele origin: germline.
Comment: In summary, the available evidence is currently insufficient to determine the role of this variant in disease. Therefore, it has been classified as a Variant of Uncertain Significance. Algorithms developed to predict the effect of missense changes on protein structure and function are either unavailable or do not agree on the potential impact of this missense change (SIFT: "Deleterious"; PolyPhen-2: "Possibly Damaging"; Align-GVGD: "Class C0"). This variant has not been reported in the literature in individuals affected with NDUFS1-related conditions. This variant is not present in population databases (gnomAD no frequency). This sequence change replaces threonine, which is neutral and polar, with alanine, which is neutral and non-polar, at codon 47 of the NDUFS1 protein (p.Thr47Ala).